The following is an entry in ClinVar:

ClinVar aggregate classification (germline): Conflicting classifications of pathogenicity. Review status: criteria provided, conflicting classifications (1 of 4 stars). 3 submissions from 3 submitters: Uncertain significance (1); Likely benign (2). Last evaluated 2024-03-20.

Submissions (3):

Labcorp Genetics (formerly Invitae), Labcorp
Classification: Likely benign. Last evaluated: 2024-03-20. Review status: criteria provided, single submitter. Criteria: Invitae Variant Classification Sherloc (09022015). Collection method: clinical testing. Allele origin: germline.

GeneDx
Classification: Uncertain significance. Last evaluated: 2022-06-25. Review status: criteria provided, single submitter. Criteria: GeneDx Variant Classification Process June 2021. Collection method: clinical testing. Allele origin: germline. Affected: yes.
Comment: Not observed at significant frequency in large population cohorts (gnomAD); Has not been previously published as pathogenic or benign to our knowledge; In silico analysis, which includes splice predictors and evolutionary conservation, suggests this variant may impact gene splicing. In the absence of RNA/functional studies, the actual effect of this sequence change is unknown.

Blueprint Genetics
Classification: Likely benign. Last evaluated: 2021-10-11. Review status: criteria provided, single submitter. Criteria: ACMG Guidelines, 2015. Collection method: clinical testing. Allele origin: germline.

NM_012469.4(PRPF6):c.2431+15_2431+36dup

Gene: PRPF6 (pre-mRNA processing factor 6; plus strand). Cytogenetic location: 20q13.33.
Variant type: Duplication.
Coding change: c.2431+15_2431+36dup on transcript NM_012469.4 (MANE Select); bases 15 to 36 of the intron after coding-DNA position 2431, 22 bases duplicated (CGACTCCGGTAAGGGGGTGCCC).
Molecular consequence: splice donor variant.
Genome position (GRCh38, 1-based): chr20:64,028,584-64,028,605, CGACTCCGGTAAGGGGGTGCCC duplicated; duplicating any 22 consecutive bases within chr20:64,028,564-64,028,605 gives the same sequence; the c. name uses the placement nearest the transcript's 3' end. VCF-style (leftmost placement, unchanged base first): chr20-64028563-A-AACTCCGGTAAGGGGGTGCCCCG. GRCh37 (hg19) VCF-style: chr20-62659916-A-AACTCCGGTAAGGGGGTGCCCCG.
Identifiers: ClinVar variation 1128279 (VCV001128279.11), dbSNP rs771425756, ClinGen allele CA636620475.